The following is an entry in ClinVar:

NM_006939.4(SOS2):c.3075+131A>G

Gene: SOS2 (SOS Ras/Rho guanine nucleotide exchange factor 2; minus strand). Cytogenetic location: 14q21.3.
Variant type: single nucleotide variant.
Coding change: c.3075+131A>G on transcript NM_006939.4 (MANE Select); 131 bases into the intron after coding-DNA position 3075, A replaced by G.
Molecular consequence: intron variant.
Genome position (GRCh38, 1-based): chr14:50,133,992, T>C on the plus strand (A>G on the coding strand, the complement: SOS2 is on the minus strand). VCF-style: chr14-50133992-T-C. GRCh37 (hg19) VCF-style: chr14-50600710-T-C.
Identifiers: ClinVar variation 561653 (VCV000561653.1), dbSNP rs58543605, ClinGen allele CA260716138.

ClinVar aggregate classification (germline): Likely benign (1 of 4 stars; one submission).

Allele frequency attached by ClinVar (database versions not stated): gnomAD 0.00483 and 0.00516; TOPMed 0.00555; 1000 Genomes Project 30x 0.00593; 1000 Genomes Project 0.00599.
gnomAD v4.1: 1,071 of 658,452 alleles (0.16%); highest among the groups gnomAD compares: African/African-American, 1.6%; 6 homozygotes.

Submission:

GeneDx
Classification: Likely benign. Last evaluated: 2018-06-14. Review status: criteria provided, single submitter. Criteria: GeneDx Variant Classification (06012015). Collection method: clinical testing. Allele origin: germline. Affected: yes.
Comment: This variant is considered likely benign or benign based on one or more of the following criteria: it is a conservative change, it occurs at a poorly conserved position in the protein, it is predicted to be benign by multiple in silico algorithms, and/or has population frequency not consistent with disease.